The following is an entry in ClinVar:

NM_032119.4(ADGRV1):c.3572C>T (p.Ala1191Val)

Gene: ADGRV1 (adhesion G protein-coupled receptor V1; plus strand). Cytogenetic location: 5q14.3.
Variant type: single nucleotide variant.
Coding change: c.3572C>T on transcript NM_032119.4 (MANE Select); coding-DNA position 3572, C replaced by T.
Protein change: p.Ala1191Val; replaces alanine 1191 with valine.
Molecular consequence: missense variant. On other transcripts: non-coding transcript variant (1).
Genome position (GRCh38, 1-based): chr5:90,652,501, C>T. VCF-style: chr5-90652501-C-T. GRCh37 (hg19) VCF-style: chr5-89948318-C-T.
Other names: short protein forms A1191V.
Identifiers: ClinVar variation 1802052 (VCV001802052.1), dbSNP rs754327712, ClinGen allele CA360397885.

ClinVar aggregate classification (germline): Uncertain significance (1 of 4 stars; one submission).

gnomAD v4.1: 5 of 1,613,218 alleles (0.00031%); highest among the groups gnomAD compares: Non-Finnish European, 0.00025%; no homozygotes.

Submission:

GeneDx
Classification: Uncertain significance. Last evaluated: 2022-06-01. Review status: criteria provided, single submitter. Criteria: GeneDx Variant Classification Process June 2021. Collection method: clinical testing. Allele origin: germline. Affected: yes.
Comment: Not observed at significant frequency in large population cohorts (gnomAD); In silico analysis supports that this missense variant does not alter protein structure/function; Has not been previously published as pathogenic or benign to our knowledge